The following is an entry in ClinVar:

ClinVar aggregate classification (germline): Uncertain significance. Review status: criteria provided, multiple submitters, no conflicts (2 of 4 stars). 2 submissions from 2 submitters: Uncertain significance (2). Last evaluated 2018-09-01.

Conditions:
Intellectual developmental disorder, X-linked 1. Also called: Atkin Flaitz Patil Smith syndrome; MENTAL RETARDATION, X-LINKED 18; MENTAL RETARDATION, X-LINKED 78; Intellectual disability, X-linked 1. Identifiers: Orphanet 777, MedGen C2931498, MONDO:0010656, OMIM 309530.

Submissions (2):

CeGaT Center for Human Genetics Tuebingen
Classification: Uncertain significance. Last evaluated: 2018-09-01. Review status: criteria provided, single submitter. Criteria: CeGaT Center For Human Genetics Tuebingen Variant Classification Criteria Version 2. Collection method: clinical testing. Allele origin: germline. Affected: yes. Observed: 1 variant allele.

Centre for Mendelian Genomics, University Medical Centre Ljubljana
Classification: Uncertain significance for Intellectual developmental disorder, X-linked 1. Last evaluated: 2016-01-01. Review status: criteria provided, single submitter. Criteria: ACMG Guidelines, 2015. Collection method: clinical testing. Allele origin: unknown. Affected: yes.
Comment: This variant was classified as: Uncertain significance. The following ACMG criteria were applied in classifying this variant: PM2. This variant was detected in hemizygous state.

NM_001111125.3(IQSEC2):c.1994C>T (p.Ala665Val)

Gene: IQSEC2 (IQ motif and Sec7 domain ArfGEF 2; minus strand). Cytogenetic location: Xp11.22.
Variant type: single nucleotide variant.
Coding change: c.1994C>T on transcript NM_001111125.3 (MANE Select); coding-DNA position 1994, C replaced by T.
Protein change: p.Ala665Val; replaces alanine 665 with valine.
Molecular consequence: missense variant.
Genome position (GRCh38, 1-based): chrX:53,250,582, G>A on the plus strand (C>T on the coding strand, the complement: IQSEC2 is on the minus strand). VCF-style: chrX-53250582-G-A. GRCh37 (hg19) VCF-style: chrX-53279764-G-A.
Other names: c.1379C>T, p.Ala460Val (NM_015075.2); short protein forms A665V, A460V.
Identifiers: ClinVar variation 810617 (VCV000810617.45), dbSNP rs1602283451, ClinGen allele CA413162662.